The following is an entry in ClinVar:

ClinVar aggregate classification (germline): Uncertain significance (1 of 4 stars; one submission).

Conditions:
Hereditary cancer-predisposing syndrome. Also called: Hereditary neoplastic syndrome; Neoplastic Syndromes, Hereditary; Tumor predisposition; Hereditary Cancer Syndrome. Identifiers: Orphanet 140162, MedGen C0027672, MeSH D009386, MONDO:0015356.

Submission:

Ambry Genetics
Classification: Uncertain significance for Hereditary cancer-predisposing syndrome. Last evaluated: 2016-09-27. Review status: criteria provided, single submitter. Criteria: Ambry Autosomal Dominant and X-Linked criteria (10/2015). Collection method: clinical testing. Allele origin: germline. Observed: 1 variant allele.
Comment: The p.P323L variant (also known as c.968C>T), located in coding exon 8 of the MRE11A gene, results from a C to T substitution at nucleotide position 968. The proline at codon 323 is replaced by leucine, an amino acid with similar properties. This variant was not reported in population based cohorts in the following databases: Database of Single Nucleotide Polymorphisms (dbSNP), NHLBI Exome Sequencing Project (ESP), and 1000 Genomes Project. To date, this alteration has been detected with an allele frequency of approximately 0.0005% (greater than 175000 alleles tested) in our clinical cohort. This amino acid position is highly conserved in available vertebrate species. In addition, this alteration is predicted to be tolerated by in silico analysis. Since supporting evidence is limited at this time, the clinical significance of this alteration remains unclear.

NM_005591.4(MRE11):c.968C>T (p.Pro323Leu)

Gene: MRE11 (MRE11 double strand break repair nuclease; minus strand). Cytogenetic location: 11q21.
Variant type: single nucleotide variant.
Coding change: c.968C>T on transcript NM_005591.4 (MANE Select); coding-DNA position 968, C replaced by T.
Protein change: p.Pro323Leu; replaces proline 323 with leucine.
Molecular consequence: missense variant.
Genome position (GRCh38, 1-based): chr11:94,470,520, G>A on the plus strand (C>T on the coding strand, the complement: MRE11 is on the minus strand). VCF-style: chr11-94470520-G-A. GRCh37 (hg19) VCF-style: chr11-94203686-G-A.
Other names: c.968C>T, p.Pro323Leu (NM_001330347.2, NM_005590.4); short protein forms P323L.
Identifiers: ClinVar variation 184740 (VCV000184740.3), dbSNP rs786201655, ClinGen allele CA189908.